The following is an entry in ClinVar:

ClinVar aggregate classification (germline): Conflicting classifications of pathogenicity. Review status: criteria provided, conflicting classifications (1 of 4 stars). 3 submissions from 3 submitters: Likely pathogenic (1); Uncertain significance (2). Last evaluated 2021-12-14.

Conditions:
Charcot-Marie-Tooth disease type 2B (CMT2B). Also called: CHARCOT-MARIE-TOOTH DISEASE, AXONAL, TYPE 2B; HEREDITARY MOTOR AND SENSORY NEUROPATHY IIB; CHARCOT-MARIE-TOOTH DISEASE, AUTOSOMAL DOMINANT, TYPE 2B; Charcot-Marie-Tooth Neuropathy Type 2B. Identifiers: Orphanet 99936, MedGen C1833219, MONDO:0010949, OMIM 600882.

Submissions (3):

GeneDx
Classification: Uncertain significance. Last evaluated: 2021-12-14. Review status: criteria provided, single submitter. Criteria: GeneDx Variant Classification Process June 2021. Collection method: clinical testing. Allele origin: germline. Affected: yes.
Comment: Not observed at significant frequency in large population cohorts (gnomAD); In silico analysis supports that this missense variant has a deleterious effect on protein structure/function; Has not been previously published as pathogenic or benign to our knowledge

Labcorp Genetics (formerly Invitae), Labcorp
Classification: Likely pathogenic for Charcot-Marie-Tooth disease type 2B. Last evaluated: 2021-08-24. Review status: criteria provided, single submitter. Criteria: Invitae Variant Classification Sherloc (09022015). Collection method: clinical testing. Allele origin: germline.
Comment: This variant is not present in population databases (ExAC no frequency). In summary, the currently available evidence indicates that the variant is pathogenic, but additional data are needed to prove that conclusively. Therefore, this variant has been classified as Likely Pathogenic. Algorithms developed to predict the effect of missense changes on protein structure and function are either unavailable or do not agree on the potential impact of this missense change (SIFT: "Deleterious"; PolyPhen-2: "Probably Damaging"; Align-GVGD: "Class C0"). ClinVar contains an entry for this variant (Variation ID: 805267). This missense change has been observed in individual(s) with clinical features of Charcot-Marie-Tooth disease (Invitae). In at least one individual the variant was observed to be de novo. This sequence change replaces alanine with threonine at codon 156 of the RAB7A protein (p.Ala156Thr). The alanine residue is highly conserved and there is a small physicochemical difference between alanine and threonine.

Athena Diagnostics
Classification: Uncertain significance. Last evaluated: 2018-08-27. Review status: criteria provided, single submitter. Criteria: Athena Diagnostics Criteria. Collection method: clinical testing. Allele origin: germline.

NM_004637.6(RAB7A):c.466G>A (p.Ala156Thr)

Gene: RAB7A (RAB7A, member RAS oncogene family; plus strand). Cytogenetic location: 3q21.3.
Variant type: single nucleotide variant.
Coding change: c.466G>A on transcript NM_004637.6 (MANE Select); coding-DNA position 466, G replaced by A.
Protein change: p.Ala156Thr; replaces alanine 156 with threonine.
Molecular consequence: missense variant.
Genome position (GRCh38, 1-based): chr3:128,807,609, G>A. VCF-style: chr3-128807609-G-A. GRCh37 (hg19) VCF-style: chr3-128526452-G-A.
Other names: short protein forms A156T.
Identifiers: ClinVar variation 805267 (VCV000805267.9), dbSNP rs1576304176, ClinGen allele CA354709450.